The following is an entry in ClinVar:

NM_017617.5(NOTCH1):c.1024G>A (p.Ala342Thr)

Gene: NOTCH1 (notch receptor 1; minus strand). Cytogenetic location: 9q34.3.
Variant type: single nucleotide variant.
Coding change: c.1024G>A on transcript NM_017617.5 (MANE Select); coding-DNA position 1024, G replaced by A.
Protein change: p.Ala342Thr; replaces alanine 342 with threonine.
Molecular consequence: missense variant.
Genome position (GRCh38, 1-based): chr9:136,518,666, C>T on the plus strand (G>A on the coding strand, the complement: NOTCH1 is on the minus strand). VCF-style: chr9-136518666-C-T. GRCh37 (hg19) VCF-style: chr9-139413118-C-T.
Other names: short protein forms A342T.
Identifiers: ClinVar variation 1769128 (VCV001769128.3), dbSNP rs2133370909, ClinGen allele CA375565385.

ClinVar aggregate classification (germline): Uncertain significance. Review status: criteria provided, multiple submitters, no conflicts (2 of 4 stars). 2 submissions from 2 submitters: Uncertain significance (2). Last evaluated 2025-06-18.

Conditions:
Adams-Oliver syndrome 5 (AOS5). Identifiers: Orphanet 974, MedGen C4014970, MONDO:0014459, OMIM 616028.
Familial thoracic aortic aneurysm and aortic dissection (TAAD). Also called: Thoracic aortic aneurysms and dissections. Identifiers: Orphanet 91387, MedGen C4707243, MONDO:0019625.

Allele frequency attached by ClinVar (database versions not stated): gnomAD exomes 0.00001.
gnomAD v4.1: 7 of 1,612,296 alleles (0.00043%); highest among the groups gnomAD compares: South Asian, 0.0022%; no homozygotes.

Submissions (2):

Labcorp Genetics (formerly Invitae), Labcorp
Classification: Uncertain significance for Adams-Oliver syndrome 5. Last evaluated: 2025-06-18. Review status: criteria provided, single submitter. Criteria: Invitae Variant Classification Sherloc (09022015). Collection method: clinical testing. Allele origin: germline.
Comment: This sequence change replaces alanine, which is neutral and non-polar, with threonine, which is neutral and polar, at codon 342 of the NOTCH1 protein (p.Ala342Thr). This variant is not present in population databases (gnomAD no frequency). This variant has not been reported in the literature in individuals affected with NOTCH1-related conditions. ClinVar contains an entry for this variant (Variation ID: 1769128). Invitae Evidence Modeling of protein sequence and biophysical properties (such as structural, functional, and spatial information, amino acid conservation, physicochemical variation, residue mobility, and thermodynamic stability) indicates that this missense variant is not expected to disrupt NOTCH1 protein function with a negative predictive value of 95%. In summary, the available evidence is currently insufficient to determine the role of this variant in disease. Therefore, it has been classified as a Variant of Uncertain Significance.

Ambry Genetics
Classification: Uncertain significance for Familial thoracic aortic aneurysm and aortic dissection. Last evaluated: 2019-07-19. Review status: criteria provided, single submitter. Criteria: Ambry Variant Classification Scheme 2023. Collection method: clinical testing. Allele origin: germline.
Comment: The p.A342T variant (also known as c.1024G>A), located in coding exon 6 of the NOTCH1 gene, results from a G to A substitution at nucleotide position 1024. The alanine at codon 342 is replaced by threonine, an amino acid with similar properties. This amino acid position is highly conserved in available vertebrate species. In addition, the in silico prediction for this alteration is inconclusive. Since supporting evidence is limited at this time, the clinical significance of this alteration remains unclear.